The following is an entry in ClinVar:

ClinVar aggregate classification (germline): Pathogenic/Likely pathogenic. Review status: criteria provided, multiple submitters, no conflicts (2 of 4 stars). 7 submissions from 7 submitters: Pathogenic (4); Likely pathogenic (1). 2 of the submissions do not count toward it. Last evaluated 2026-01-19.

Conditions:
NPHS1-related disorder. Also called: NPHS1-related condition.
Finnish congenital nephrotic syndrome (NPHS1). Also called: NEPHROTIC SYNDROME, TYPE 1. Identifiers: Orphanet 839, MedGen C0403399, MONDO:0009732, OMIM 256300.

Allele frequency attached by ClinVar (database versions not stated): gnomAD exomes 0.00003 and 0.00002; TOPMed 0.00003; gnomAD 0.00005; ESP Exome Variant Server 0.00008; ExAC 0.00002.
gnomAD v4.1: 51 of 1,613,908 alleles (0.0032%); highest among the groups gnomAD compares: African/African-American, 0.0067%; no homozygotes.

Submissions (7):

Labcorp Genetics (formerly Invitae), Labcorp
Classification: Pathogenic. Last evaluated: 2026-01-19. Review status: criteria provided, single submitter. Criteria: Invitae Variant Classification Sherloc (09022015). Collection method: clinical testing. Allele origin: germline.
Comment: This sequence change replaces arginine, which is basic and polar, with cysteine, which is neutral and slightly polar, at codon 831 of the NPHS1 protein (p.Arg831Cys). This variant is present in population databases (rs386833915, gnomAD 0.004%). This missense change has been observed in individual(s) with nephrotic syndrome (PMID: 19406966, 22584503, 25533962). In at least one individual the data is consistent with being in trans (on the opposite chromosome) from a pathogenic variant. ClinVar contains an entry for this variant (Variation ID: 56476). Invitae Evidence Modeling of protein sequence and biophysical properties (such as structural, functional, and spatial information, amino acid conservation, physicochemical variation, residue mobility, and thermodynamic stability) indicates that this missense variant is expected to disrupt NPHS1 protein function with a positive predictive value of 80%. Experimental studies have shown that this missense change affects NPHS1 function (PMID: 15213260). For these reasons, this variant has been classified as Pathogenic.

Natera, Inc.
Classification: Likely pathogenic for Finnish congenital nephrotic syndrome. Last evaluated: 2025-12-19. Review status: criteria provided, single submitter. Criteria: Natera Variant Classification Schema (03/2026). Collection method: clinical testing. Allele origin: germline.
Comment: The c.2491C>T variant in NPHS1 is a missense variant predicted to cause substitution of arginine to cysteine at amino acid 831. This variant is rare in the general population with a frequency below the threshold expected for the associated phenotype(s). This variant has been observed in one or more individuals affected with the associated recessive disease, as either homozygous or compound heterozygous with a second variant (PMID: 22584503, 12495287). Functional studies show that this variant may disrupt protein function (PMID: 11726550). Computational prediction algorithms indicate this variant is likely to affect gene or protein function. Given the available evidence, this variant is classified as Likely Pathogenic.

Fulgent Genetics
Classification: Pathogenic for Finnish congenital nephrotic syndrome. Last evaluated: 2024-03-06. Review status: criteria provided, single submitter. Criteria: ACMG Guidelines, 2015. Collection method: clinical testing. Allele origin: germline.

Blueprint Genetics
Classification: Pathogenic for NPHS1-related disorders. Last evaluated: 2023-02-24. Review status: criteria provided, single submitter. Criteria: ACMG Guidelines, 2015. Collection method: clinical testing. Allele origin: germline. Affected: yes. Observed: 3 variant alleles.

PreventionGenetics, part of Exact Sciences
Classification: Pathogenic for NPHS1-related condition. Last evaluated: 2023-01-04. Review status: criteria provided, single submitter. Criteria: ACMG Guidelines, 2015. Collection method: clinical testing. Allele origin: germline.
Comment: The NPHS1 c.2491C>T variant is predicted to result in the amino acid substitution p.Arg831Cys. This variant has been reported in the heterozygous state (Lenkkeri et al. 1999. PubMed ID: 9915943; Liu et al. 2001. PubMed ID: 11726550) and in the homozygous and compound heterozygous state (Caridi et al. 2009. PubMed ID: 19406966; Ovunc et al. 2012. PubMed ID: 22584503) in individuals with congenital nephrotic syndrome. Functional studies found this variant causes defective protein trafficking resulting in a lack of trafficking to the plasma membrane; additionally, sodium 4-phenylbutyrate (4-PBA) was able to rescue the trafficking defect and is able to function indistinguishably from wild-type nephrin (Liu et al. 2004. PubMed ID: 15213260). This variant is reported in 0.0040% of alleles in individuals of African descent in gnomAD. This variant is interpreted as pathogenic.

Counsyl
Classification: Likely pathogenic for Finnish congenital nephrotic syndrome. Last evaluated: 2016-04-13. Review status: no assertion criteria provided. Collection method: clinical testing. Allele origin: unknown. Not counted in ClinVar's aggregate classification.

Juha Muilu Group; Institute for Molecular Medicine Finland (FIMM)
Classification: Likely pathogenic for Finnish congenital nephrotic syndrome. Review status: no assertion criteria provided. Collection method: not provided. Allele origin: unknown. Not counted in ClinVar's aggregate classification.
Comment: FinDis database variant: This variant was not found or characterized by our laboratory, data were collected from public sources: see reference
ClinVar note: Converted during submission from probable-pathogenic to Likely pathogenic.

Literature cited by the submitters: PubMed 19406966 (cited by Labcorp Genetics (formerly Invitae), Labcorp and Counsyl); PubMed 22584503 (cited by 3 submitters); PubMed 25533962 (cited by Labcorp Genetics (formerly Invitae), Labcorp); PubMed 15213260 (cited by Labcorp Genetics (formerly Invitae), Labcorp); PubMed 12495287 (cited by Natera, Inc.); PubMed 11726550 (cited by Natera, Inc. and Counsyl); PubMed 9915943 (cited by Counsyl).

NM_004646.4(NPHS1):c.2491C>T (p.Arg831Cys)

Gene: NPHS1 (NPHS1 adhesion molecule, nephrin; minus strand). Cytogenetic location: 19q13.12.
Variant type: single nucleotide variant.
Coding change: c.2491C>T on transcript NM_004646.4 (MANE Select); coding-DNA position 2491, C replaced by T.
Protein change: p.Arg831Cys; replaces arginine 831 with cysteine.
Molecular consequence: missense variant.
Genome position (GRCh38, 1-based): chr19:35,842,394, G>A on the plus strand (C>T on the coding strand, the complement: NPHS1 is on the minus strand). VCF-style: chr19-35842394-G-A. GRCh37 (hg19) VCF-style: chr19-36333296-G-A.
Other names: short protein forms R831C.
Identifiers: ClinVar variation 56476 (VCV000056476.17), dbSNP rs386833915, ClinGen allele CA250191.